The following is an entry in ClinVar:

NM_020831.6(MRTFA):c.2240C>T (p.Pro747Leu)

Gene: MRTFA (myocardin related transcription factor A; minus strand). Cytogenetic location: 22q13.1.
Variant type: single nucleotide variant.
Coding change: c.2240C>T on transcript NM_020831.6 (MANE Select); coding-DNA position 2240, C replaced by T.
Protein change: p.Pro747Leu; replaces proline 747 with leucine.
Molecular consequence: missense variant.
Genome position (GRCh38, 1-based): chr22:40,418,498, G>A on the plus strand (C>T on the coding strand, the complement: MRTFA is on the minus strand). VCF-style: chr22-40418498-G-A. GRCh37 (hg19) VCF-style: chr22-40814502-G-A.
Other names: c.1940C>T, p.Pro647Leu (NM_001282660.2); c.2090C>T, p.Pro697Leu (NM_001282661.3); c.2240C>T, p.Pro747Leu (NM_001282662.3); c.2045C>T, p.Pro682Leu (NM_001318139.2); c.1940C>T (NM_020831.3); short protein forms P647L, P747L, P682L, P697L.
Identifiers: ClinVar variation 2074575 (VCV002074575.5), dbSNP rs772839363, ClinGen allele CA10249409.

ClinVar aggregate classification (germline): Uncertain significance. Review status: criteria provided, multiple submitters, no conflicts (2 of 4 stars). 2 submissions from 2 submitters: Uncertain significance (2). Last evaluated 2025-01-07.

Allele frequency attached by ClinVar (database versions not stated): TOPMed 0.00001; ExAC 0.00001.

Submissions (2):

Ambry Genetics
Classification: Uncertain significance. Last evaluated: 2025-01-07. Review status: criteria provided, single submitter. Criteria: Ambry Variant Classification Scheme 2023. Collection method: clinical testing. Allele origin: germline.

Labcorp Genetics (formerly Invitae), Labcorp
Classification: Uncertain significance. Last evaluated: 2024-04-07. Review status: criteria provided, single submitter. Criteria: Invitae Variant Classification Sherloc (09022015). Collection method: clinical testing. Allele origin: germline.
Comment: This sequence change replaces proline, which is neutral and non-polar, with leucine, which is neutral and non-polar, at codon 647 of the MKL1 protein (p.Pro647Leu). This variant is present in population databases (rs772839363, gnomAD 0.002%). This variant has not been reported in the literature in individuals affected with MKL1-related conditions. ClinVar contains an entry for this variant (Variation ID: 2074575). An algorithm developed to predict the effect of missense changes on protein structure and function (PolyPhen-2) suggests that this variant is likely to be tolerated. In summary, the available evidence is currently insufficient to determine the role of this variant in disease. Therefore, it has been classified as a Variant of Uncertain Significance.